The following is an entry in ClinVar:

ClinVar aggregate classification (germline): Uncertain significance (1 of 4 stars; one submission).

Submission:

GeneDx
Classification: Uncertain significance. Last evaluated: 2023-07-19. Review status: criteria provided, single submitter. Criteria: GeneDx Variant Classification Process June 2021. Collection method: clinical testing. Allele origin: germline. Affected: yes.
Comment: Not observed at significant frequency in large population cohorts (gnomAD); In silico analysis supports that this missense variant has a deleterious effect on protein structure/function; Has not been previously published as pathogenic or benign to our knowledge

NM_001287.6(CLCN7):c.1077C>G (p.Asn359Lys)

Gene: CLCN7 (chloride voltage-gated channel 7; minus strand). Cytogenetic location: 16p13.3.
Variant type: single nucleotide variant.
Coding change: c.1077C>G on transcript NM_001287.6 (MANE Select); coding-DNA position 1077, C replaced by G.
Protein change: p.Asn359Lys; replaces asparagine 359 with lysine.
Molecular consequence: missense variant.
Genome position (GRCh38, 1-based): chr16:1,455,155, G>C on the plus strand (C>G on the coding strand, the complement: CLCN7 is on the minus strand). VCF-style: chr16-1455155-G-C. GRCh37 (hg19) VCF-style: chr16-1505156-G-C.
Other names: c.1005C>G, p.Asn335Lys (NM_001114331.3); short protein forms N335K, N359K.
Identifiers: ClinVar variation 3361110 (VCV003361110.1).
Genomic context (GRCh38, chr16:1,455,155, plus strand): 5'-GGATACGAGGTGGGCGAGGTGGGCGATGGGGCAGGTTACCTCCGAGTCAAACCTTCCGAA[G>C]TTGATGAGGCCTGGGCTGGACAGGTCCCACATGTTCCCGTGGTAAATGCTCAGAACAAAA-3'
Protein context (NP_001278.1, residues 349-369): MWDLSSPGLI[Asn359Lys]FGRFDSEKMA